The following is an entry in ClinVar:

NM_020631.6(PLEKHG5):c.367G>A (p.Asp123Asn)

Gene: PLEKHG5 (pleckstrin homology and RhoGEF domain containing G5; minus strand). Cytogenetic location: 1p36.31.
Variant type: single nucleotide variant.
Coding change: c.367G>A on transcript NM_020631.6 (MANE Select); coding-DNA position 367, G replaced by A.
Protein change: p.Asp123Asn; replaces aspartic acid 123 with asparagine.
Molecular consequence: missense variant.
Genome position (GRCh38, 1-based): chr1:6,474,523, C>T on the plus strand (G>A on the coding strand, the complement: PLEKHG5 is on the minus strand). VCF-style: chr1-6474523-C-T. GRCh37 (hg19) VCF-style: chr1-6534583-C-T.
Other names: c.478G>A, p.Asp160Asn (NM_001042663.3, NM_001265592.2); c.367G>A, p.Asp123Asn (NM_001042664.2, NM_001042665.2, NM_001265594.3 and 1 more transcripts); c.574G>A, p.Asp192Asn (NM_001265593.2); short protein forms D123N, D160N, D192N.
Identifiers: ClinVar variation 1010545 (VCV001010545.9), dbSNP rs759645488, ClinGen allele CA561876.

ClinVar aggregate classification (germline): Uncertain significance (1 of 4 stars; one submission).

Conditions:
Charcot-Marie-Tooth disease recessive intermediate C. Also called: CHARCOT-MARIE-TOOTH NEUROPATHY, RECESSIVE INTERMEDIATE C. Identifiers: Orphanet 369867, MedGen C3809309, MONDO:0014154, OMIM 615376.
Neuronopathy, distal hereditary motor, autosomal recessive 4. Also called: Autosomal recessive lower motor neuron disease with childhood onset; NEUROPATHY, DISTAL HEREDITARY MOTOR, AUTOSOMAL RECESSIVE 4. Identifiers: Orphanet 206580, MedGen C1970211, MONDO:0012608, OMIM 611067.

Allele frequency attached by ClinVar (database versions not stated): gnomAD exomes below 0.00001; ExAC 0.00001.

Submission:

Labcorp Genetics (formerly Invitae), Labcorp
Classification: Uncertain significance for Neuronopathy, distal hereditary motor, autosomal recessive 4; Charcot-Marie-Tooth disease recessive intermediate C. Last evaluated: 2022-07-12. Review status: criteria provided, single submitter. Criteria: Invitae Variant Classification Sherloc (09022015). Collection method: clinical testing. Allele origin: germline.
Comment: This variant has not been reported in the literature in individuals affected with PLEKHG5-related conditions. In summary, the available evidence is currently insufficient to determine the role of this variant in disease. Therefore, it has been classified as a Variant of Uncertain Significance. Algorithms developed to predict the effect of missense changes on protein structure and function are either unavailable or do not agree on the potential impact of this missense change (SIFT: "Tolerated"; PolyPhen-2: "Probably Damaging"; Align-GVGD: "Class C0"). ClinVar contains an entry for this variant (Variation ID: 1010545). This variant is present in population databases (rs759645488, gnomAD 0.0009%). This sequence change replaces aspartic acid, which is acidic and polar, with asparagine, which is neutral and polar, at codon 123 of the PLEKHG5 protein (p.Asp123Asn).